The following is an entry in ClinVar:

ClinVar aggregate classification (germline): Likely benign. Review status: criteria provided, multiple submitters, no conflicts (2 of 4 stars). 3 submissions from 3 submitters: Likely benign (3). Last evaluated 2026-01-25.

Allele frequency attached by ClinVar (database versions not stated): ExAC 0.00006; ESP Exome Variant Server 0.00008; gnomAD 0.00015; 1000 Genomes Project 0.00020; 1000 Genomes Project 30x 0.00031.
gnomAD v4.1: 93 of 1,610,450 alleles (0.0058%); highest among the groups gnomAD compares: African/African-American, 0.039%; no homozygotes.

Submissions (3):

Labcorp Genetics (formerly Invitae), Labcorp
Classification: Likely benign. Last evaluated: 2026-01-25. Review status: criteria provided, single submitter. Criteria: Invitae Variant Classification Sherloc (09022015). Collection method: clinical testing. Allele origin: germline.

Women's Health and Genetics/Laboratory Corporation of America, LabCorp
Classification: Likely benign. Last evaluated: 2023-10-31. Review status: criteria provided, single submitter. Criteria: LabCorp Variant Classification Summary - May 2015. Collection method: clinical testing. Allele origin: germline.
Comment: Variant summary: ADAMTS13 c.2234+17C>A alters a non-conserved nucleotide located at a position not widely known to affect splicing. Consensus agreement among computation tools predict no significant impact on normal splicing. However, these predictions have yet to be confirmed by functional studies. The variant allele was found at a frequency of 9.8e-05 in 245494 control chromosomes (gnomAD). To our knowledge, no occurrence of c.2234+17C>A in individuals affected with Thrombotic Thrombocytopenic Purpura and no experimental evidence demonstrating its impact on protein function have been reported. One submitter has cited clinical-significance assessments for this variant to ClinVar after 2014 and has classified the variant as likely benign. Based on the evidence outlined above, the variant was classified as likely benign.

Blueprint Genetics
Classification: Likely benign. Last evaluated: 2020-12-03. Review status: criteria provided, single submitter. Criteria: ACMG Guidelines, 2015. Collection method: clinical testing. Allele origin: germline.

NM_139027.6(ADAMTS13):c.2234+17C>A

Gene: ADAMTS13 (ADAM metallopeptidase with thrombospondin type 1 motif 13; plus strand). Cytogenetic location: 9q34.2.
Variant type: single nucleotide variant.
Coding change: c.2234+17C>A on transcript NM_139027.6 (MANE Select); 17 bases into the intron after coding-DNA position 2234, C replaced by A.
Molecular consequence: intron variant.
Genome position (GRCh38, 1-based): chr9:133,442,760, C>A. VCF-style: chr9-133442760-C-A. GRCh37 (hg19) VCF-style: chr9-136307881-C-A.
Other names: c.2234+17C>A (NM_139025.5); c.2141+17C>A (NM_139026.6).
Identifiers: ClinVar variation 1988891 (VCV001988891.6), dbSNP rs375127652, ClinGen allele CA200934221.
Genomic context (GRCh38, chr9:133,442,760, plus strand): 5'-CCAGCGTGGCCAGAGGCCTGCGTGCTCGAACCCTGCCCTCCCTAGTGAGTGTGGTGCTGT[C>A]TGCGCAGCTCCAAGGGGGAGAGAGGGTTCCGCTGGGGCTGCTGGGCTCTGTCCCTGGCCT-3'